The following is an entry in ClinVar:

ClinVar aggregate classification (germline): Pathogenic (1 of 4 stars; one submission).

Submission:

Labcorp Genetics (formerly Invitae), Labcorp
Classification: Pathogenic. Last evaluated: 2021-07-30. Review status: criteria provided, single submitter. Criteria: Invitae Variant Classification Sherloc (09022015). Collection method: clinical testing. Allele origin: germline.
Comment: This variant is an out-of-frame deletion of the genomic region encompassing exon 2 of the MED17 gene. This is expected to create a premature translational stop signal and result in an absent or disrupted protein product. This variant has not been reported in the literature in individuals with MED17-related conditions. Loss-of-function variants in MED17 are known to be pathogenic (PMID: 20950787, 26004231, 30345598). For these reasons, this variant has been classified as Pathogenic.

Literature cited by the submitters: PubMed 20950787; PubMed 26004231; PubMed 30345598.

NC_000011.9:g.(?_93521157)_(93521343_?)del

Gene: MED17 (mediator complex subunit 17; plus strand). Cytogenetic location: 11q21.
Variant type: Deletion.
Identifiers: ClinVar variation 1076891 (VCV001076891.4).